The following is an entry in ClinVar:

NM_001278298.2(COL6A5):c.6358C>T (p.Arg2120Cys)

Gene: COL6A5 (collagen type VI alpha 5 chain; plus strand). Cytogenetic location: 3q22.1.
Variant type: single nucleotide variant.
Coding change: c.6358C>T on transcript NM_001278298.2 (MANE Select); coding-DNA position 6358, C replaced by T.
Protein change: p.Arg2120Cys; replaces arginine 2120 with cysteine.
Molecular consequence: missense variant. On other transcripts: non-coding transcript variant (1).
Genome position (GRCh38, 1-based): chr3:130,440,696, C>T. VCF-style: chr3-130440696-C-T. GRCh37 (hg19) VCF-style: chr3-130159540-C-T.
Other names: c.6358C>T, p.Arg2120Cys (NM_153264.7); short protein forms R2120C.
Identifiers: ClinVar variation 4005515 (VCV004005515.9).

ClinVar aggregate classification (germline): Conflicting classifications of pathogenicity. Review status: criteria provided, conflicting classifications (1 of 4 stars). 2 submissions from 2 submitters: Uncertain significance (1); Likely benign (1). Last evaluated 2025-06-01.

gnomAD v4.1: 1,507 of 1,613,518 alleles (0.093%); highest among the groups gnomAD compares: Non-Finnish European, 0.12%; 2 homozygotes.

Submissions (2):

CeGaT Center for Human Genetics Tuebingen
Classification: Likely benign. Last evaluated: 2025-06-01. Review status: criteria provided, single submitter. Criteria: CeGaT Center For Human Genetics Tuebingen Variant Classification Criteria Version 2. Collection method: clinical testing. Allele origin: germline. Affected: yes. Observed: 1 variant allele.
Comment: COL6A5: BP4

Ambry Genetics
Classification: Uncertain significance. Last evaluated: 2025-03-22. Review status: criteria provided, single submitter. Criteria: Ambry Variant Classification Scheme 2023. Collection method: clinical testing. Allele origin: germline.